The following is an entry in ClinVar:

ClinVar aggregate classification (germline): Uncertain significance. Review status: criteria provided, multiple submitters, no conflicts (2 of 4 stars). 2 submissions from 2 submitters: Uncertain significance (2). Last evaluated 2024-09-13.

Conditions:
Familial melanoma. Also called: Hereditary melanoma; Hereditary cutaneous melanoma. Identifiers: Orphanet 618, MedGen C1512419, MONDO:0018961.
Hereditary cancer-predisposing syndrome. Also called: Tumor predisposition; Hereditary neoplastic syndrome; Hereditary Cancer Syndrome; Neoplastic Syndromes, Hereditary. Identifiers: Orphanet 140162, MedGen C0027672, MeSH D009386, MONDO:0015356.

Allele frequency attached by ClinVar (database versions not stated): gnomAD exomes below 0.00001; ExAC 0.00002.
gnomAD v4.1: 1 of 1,609,640 alleles (0.000062%); highest among the groups gnomAD compares: Non-Finnish European, 0.000085%; no homozygotes.

Submissions (3):

Ambry Genetics
Classification: Uncertain significance for Hereditary cancer-predisposing syndrome. Last evaluated: 2024-09-13. Review status: criteria provided, single submitter. Criteria: Ambry Variant Classification Scheme 2023. Collection method: clinical testing. Allele origin: germline.
Comment: The p.R24G variant (also known as c.70C>G), located in coding exon 1 of the CDKN2A gene, results from a C to G substitution at nucleotide position 70. The arginine at codon 24 is replaced by glycine, an amino acid with dissimilar properties. This amino acid position is not well conserved in available vertebrate species. In addition, the in silico prediction for this alteration is inconclusive. Based on the available evidence, the clinical significance of this variant remains unclear.

Labcorp Genetics (formerly Invitae), Labcorp
Classification: Uncertain significance for Familial melanoma. Last evaluated: 2023-05-09. Review status: criteria provided, single submitter. Criteria: Invitae Variant Classification Sherloc (09022015). Collection method: clinical testing. Allele origin: germline.
Comment: ClinVar contains an entry for this variant (Variation ID: 1481554). In summary, the available evidence is currently insufficient to determine the role of this variant in disease. Therefore, it has been classified as a Variant of Uncertain Significance. This variant disrupts the p.Arg24 amino acid residue in CDKN2A (p16INK4a). Other variant(s) that disrupt this residue have been determined to be pathogenic (PMID: 8570179, 9699728, 10390011, 11595726, 15146471, 15945100, 16905682, 18843795, 20340136, 23190892). This suggests that this residue is clinically significant, and that variants that disrupt this residue are likely to be disease-causing. An algorithm developed to predict the effect of missense changes on protein structure and function (PolyPhen-2) suggests that this variant is likely to be tolerated. This variant has not been reported in the literature in individuals affected with CDKN2A (p16INK4a)-related conditions. This variant is present in population databases (rs761014328, gnomAD 0.002%). This sequence change replaces arginine, which is basic and polar, with glycine, which is neutral and non-polar, at codon 24 of the CDKN2A (p16INK4a) protein (p.Arg24Gly).

Dr. Peter K. Rogan Lab, Western University
No classification provided (evidence only). Condition: Malignant tumor of urinary bladder. Review status: no classification provided. Collection method: in vitro. Allele origin: not applicable. Functional consequence: retained intron. Not counted in ClinVar's aggregate classification.

Literature cited by the submitters: PubMed 8570179 (cited by Labcorp Genetics (formerly Invitae), Labcorp); PubMed 9699728 (cited by Labcorp Genetics (formerly Invitae), Labcorp); PubMed 10390011 (cited by Labcorp Genetics (formerly Invitae), Labcorp); PubMed 11595726 (cited by Labcorp Genetics (formerly Invitae), Labcorp); PubMed 15146471 (cited by Labcorp Genetics (formerly Invitae), Labcorp); PubMed 15945100 (cited by Labcorp Genetics (formerly Invitae), Labcorp); PubMed 16905682 (cited by Labcorp Genetics (formerly Invitae), Labcorp); PubMed 18843795 (cited by Labcorp Genetics (formerly Invitae), Labcorp); PubMed 20340136 (cited by Labcorp Genetics (formerly Invitae), Labcorp); PubMed 23190892 (cited by Labcorp Genetics (formerly Invitae), Labcorp).

NM_000077.5(CDKN2A):c.70C>G (p.Arg24Gly)

Gene: CDKN2A (cyclin dependent kinase inhibitor 2A; minus strand). Cytogenetic location: 9p21.3.
Variant type: single nucleotide variant.
Coding change: c.70C>G on transcript NM_000077.5; coding-DNA position 70, C replaced by G.
Protein change: p.Arg24Gly; replaces arginine 24 with glycine.
Molecular consequence: missense variant (on NM_000077.6). On other transcripts: intron variant (2).
Genome position (GRCh38, 1-based): chr9:21,974,758, G>C on the plus strand (C>G on the coding strand, the complement: CDKN2A is on the minus strand). VCF-style: chr9-21974758-G-C. GRCh37 (hg19) VCF-style: chr9-21974757-G-C.
Other names: c.70C>G, p.Arg24Gly (NM_000077.6, NM_001195132.2, NM_058197.5); c.-3-3550C>G (NM_001363763.2); c.194-3550C>G (NM_058195.4); short protein forms R24G.
Identifiers: ClinVar variation 1481554 (VCV001481554.8), dbSNP rs761014328, ClinGen allele CA5012324.